The following is an entry in ClinVar:

NM_001369.3(DNAH5):c.8631T>A (p.Asp2877Glu)

Gene: DNAH5 (dynein axonemal heavy chain 5; minus strand). Cytogenetic location: 5p15.2.
Variant type: single nucleotide variant.
Coding change: c.8631T>A on transcript NM_001369.3 (MANE Select); coding-DNA position 8631, T replaced by A.
Protein change: p.Asp2877Glu; replaces aspartic acid 2877 with glutamic acid.
Molecular consequence: missense variant.
Genome position (GRCh38, 1-based): chr5:13,788,732, A>T on the plus strand (T>A on the coding strand, the complement: DNAH5 is on the minus strand). VCF-style: chr5-13788732-A-T. GRCh37 (hg19) VCF-style: chr5-13788841-A-T.
Other names: short protein forms D2877E.
Identifiers: ClinVar variation 2721541 (VCV002721541.3), dbSNP rs770895790, ClinGen allele CA3202784.

ClinVar aggregate classification (germline): Uncertain significance (1 of 4 stars; one submission).

Conditions:
Primary ciliary dyskinesia. Also called: Ciliary dyskinesia. Identifiers: Orphanet 244, MedGen C0008780, MONDO:0016575, HP:0012265.

Allele frequency attached by ClinVar (database versions not stated): ExAC 0.00001; gnomAD 0.00002.
gnomAD v4.1: 5 of 1,613,944 alleles (0.00031%); highest among the groups gnomAD compares: Admixed American, 0.005%; no homozygotes.

Submission:

Labcorp Genetics (formerly Invitae), Labcorp
Classification: Uncertain significance for Primary ciliary dyskinesia. Last evaluated: 2023-12-09. Review status: criteria provided, single submitter. Criteria: Invitae Variant Classification Sherloc (09022015). Collection method: clinical testing. Allele origin: germline.
Comment: This sequence change replaces aspartic acid, which is acidic and polar, with glutamic acid, which is acidic and polar, at codon 2877 of the DNAH5 protein (p.Asp2877Glu). This variant is present in population databases (rs770895790, gnomAD 0.003%). This variant has not been reported in the literature in individuals affected with DNAH5-related conditions. Advanced modeling of protein sequence and biophysical properties (such as structural, functional, and spatial information, amino acid conservation, physicochemical variation, residue mobility, and thermodynamic stability) performed at Invitae indicates that this missense variant is not expected to disrupt DNAH5 protein function with a negative predictive value of 95%. In summary, the available evidence is currently insufficient to determine the role of this variant in disease. Therefore, it has been classified as a Variant of Uncertain Significance.